The following is an entry in ClinVar:

ClinVar aggregate classification (germline): Uncertain significance (1 of 4 stars; one submission).

Allele frequency attached by ClinVar (database versions not stated): gnomAD 0.00001; ExAC 0.00002.
gnomAD v4.1: 31 of 1,611,650 alleles (0.0019%); highest among the groups gnomAD compares: South Asian, 0.028%; 1 homozygote.

Submission:

CeGaT Center for Human Genetics Tuebingen
Classification: Uncertain significance. Last evaluated: 2023-05-01. Review status: criteria provided, single submitter. Criteria: CeGaT Center For Human Genetics Tuebingen Variant Classification Criteria Version 2. Collection method: clinical testing. Allele origin: germline. Affected: yes. Observed: 1 variant allele.
Comment: LTBP1: PM2, BP4

NM_206943.4(LTBP1):c.3641C>T (p.Pro1214Leu)

Gene: LTBP1 (latent transforming growth factor beta binding protein 1; plus strand). Cytogenetic location: 2p22.3.
Variant type: single nucleotide variant.
Coding change: c.3641C>T on transcript NM_206943.4 (MANE Select); coding-DNA position 3641, C replaced by T.
Protein change: p.Pro1214Leu; replaces proline 1214 with leucine.
Molecular consequence: missense variant.
Genome position (GRCh38, 1-based): chr2:33,315,180, C>T. VCF-style: chr2-33315180-C-T. GRCh37 (hg19) VCF-style: chr2-33540247-C-T.
Other names: c.2663C>T, p.Pro888Leu (NM_000627.4, NM_001166264.2, NM_001394912.1 and 1 more transcripts); c.2504C>T, p.Pro835Leu (NM_001166265.2, NM_001166266.2, NM_001394925.1); c.3482C>T, p.Pro1161Leu (NM_001394905.1); c.2660C>T, p.Pro887Leu (NM_001394906.1, NM_001394910.1, NM_001394919.1); c.2576C>T, p.Pro859Leu (NM_001394907.1); c.2543C>T, p.Pro848Leu (NM_001394908.1); c.2537C>T, p.Pro846Leu (NM_001394909.1, NM_001394917.1); c.2378C>T, p.Pro793Leu (NM_001394920.1, NM_001394924.1, NM_001394926.1 and 1 more transcripts); and 6 more; short protein forms P1161L, P1214L, P753L, P793L, P807L, P818L, P834L, P835L.
Identifiers: ClinVar variation 2571071 (VCV002571071.27), dbSNP rs760890177, ClinGen allele CA1607844.